The following is an entry in ClinVar:

NM_024592.5(SRD5A3):c.56G>T (p.Trp19Leu)

Gene: SRD5A3 (steroid 5 alpha-reductase 3; plus strand). Cytogenetic location: 4q12.
Variant type: single nucleotide variant.
Coding change: c.56G>T on transcript NM_024592.5 (MANE Select); coding-DNA position 56, G replaced by T.
Protein change: p.Trp19Leu; replaces tryptophan 19 with leucine.
Molecular consequence: missense variant.
Genome position (GRCh38, 1-based): chr4:55,346,392, G>T. VCF-style: chr4-55346392-G-T. GRCh37 (hg19) VCF-style: chr4-56212559-G-T.
Other names: c.56G>T, p.Trp19Leu (NM_001410732.1); short protein forms W19L.
Identifiers: ClinVar variation 2181936 (VCV002181936.4), dbSNP rs764596542, ClinGen allele CA2925195.

ClinVar aggregate classification (germline): Uncertain significance (1 of 4 stars; one submission).

Conditions:
SRD5A3-congenital disorder of glycosylation. Also called: COLOBOMA, OCULAR, WITH ICHTHYOSIS, BRAIN MALFORMATIONS, AND ENDOCRINE ABNORMALITIES; CDG Iq; SRD5A3-CDG; Ocular colobomas, ichthyosis, brain malformations and endocrine abnormalities; Congenital disorder of glycosylation type 1Q. Identifiers: Orphanet 324737, MedGen C4317224, MONDO:0012885, OMIM 612379.

Allele frequency attached by ClinVar (database versions not stated): gnomAD exomes below 0.00001; TOPMed below 0.00001; gnomAD 0.00001; ExAC 0.00003.

Submission:

Labcorp Genetics (formerly Invitae), Labcorp
Classification: Uncertain significance for SRD5A3-congenital disorder of glycosylation. Last evaluated: 2023-07-21. Review status: criteria provided, single submitter. Criteria: Invitae Variant Classification Sherloc (09022015). Collection method: clinical testing. Allele origin: germline.
Comment: An algorithm developed to predict the effect of missense changes on protein structure and function (PolyPhen-2) suggests that this variant is likely to be tolerated. In summary, the available evidence is currently insufficient to determine the role of this variant in disease. Therefore, it has been classified as a Variant of Uncertain Significance. This sequence change replaces tryptophan, which is neutral and slightly polar, with leucine, which is neutral and non-polar, at codon 19 of the SRD5A3 protein (p.Trp19Leu). The frequency data for this variant in the population databases is considered unreliable, as metrics indicate poor data quality at this position in the gnomAD database. This variant has not been reported in the literature in individuals affected with SRD5A3-related conditions. ClinVar contains an entry for this variant (Variation ID: 2181936).